The following is an entry in ClinVar:

ClinVar aggregate classification (germline): Uncertain significance (1 of 4 stars; one submission).

Conditions:
Charcot-Marie-Tooth disease type 4. Also called: Charcot-Marie-Tooth, Type 4; Charcot-Marie-Tooth disease, type IV. Identifiers: Orphanet 64749, MedGen C4082197, MONDO:0018995.

Allele frequency attached by ClinVar (database versions not stated): gnomAD exomes 0.00001.
gnomAD v4.1: 7 of 1,589,826 alleles (0.00044%); highest among the groups gnomAD compares: South Asian, 0.0022%; no homozygotes.

Submission:

Labcorp Genetics (formerly Invitae), Labcorp
Classification: Uncertain significance for Charcot-Marie-Tooth disease type 4. Last evaluated: 2018-04-04. Review status: criteria provided, single submitter. Criteria: Invitae Variant Classification Sherloc (09022015). Collection method: clinical testing. Allele origin: germline.
Comment: This sequence change falls in intron 3 of the MTMR2 gene. It does not directly change the encoded amino acid sequence of the MTMR2 protein, but it affects a nucleotide within the consensus splice site of the intron. This variant is not present in population databases (ExAC no frequency). This variant has not been reported in the literature in individuals with MTMR2-related disease. Nucleotide substitutions within the consensus splice site are a relatively common cause of aberrant splicing (PMID: 17576681, 9536098). Algorithms developed to predict the effect of sequence changes on RNA splicing suggest that this variant may disrupt the consensus splice site, but this prediction has not been confirmed by published transcriptional studies. In summary, the available evidence is currently insufficient to determine the role of this variant in disease. Therefore, it has been classified as a Variant of Uncertain Significance.

Literature cited by the submitters: PubMed 17576681; PubMed 9536098.

NM_016156.6(MTMR2):c.262+5G>A

Gene: MTMR2 (myotubularin related protein 2; minus strand). Cytogenetic location: 11q21.
Variant type: single nucleotide variant.
Coding change: c.262+5G>A on transcript NM_016156.6 (MANE Select); 5 bases into the intron after coding-DNA position 262, G replaced by A.
Molecular consequence: intron variant.
Genome position (GRCh38, 1-based): chr11:95,865,596, C>T on the plus strand (G>A on the coding strand, the complement: MTMR2 is on the minus strand). VCF-style: chr11-95865596-C-T. GRCh37 (hg19) VCF-style: chr11-95598760-C-T.
Other names: c.46+5G>A (NM_201281.3, NM_201278.3, NM_001243571.2).
Identifiers: ClinVar variation 571119 (VCV000571119.6), dbSNP rs1565361115, ClinGen allele CA891843465.